The following is an entry in ClinVar:

ClinVar aggregate classification (germline): Uncertain significance (1 of 4 stars; one submission).

Conditions:
Charcot-Marie-Tooth disease axonal type 2P. Also called: CHARCOT-MARIE-TOOTH DISEASE, AXONAL, TYPE 2G; CMT 2G; Charcot-Marie-Tooth Neuropathy Type 2G; CHARCOT-MARIE-TOOTH NEUROPATHY, TYPE 2P. Identifiers: Orphanet 300319, Orphanet 99941, MedGen C3280797, MONDO:0013753, OMIM 614436.

Submission:

Labcorp Genetics (formerly Invitae), Labcorp
Classification: Uncertain significance for Charcot-Marie-Tooth disease axonal type 2P. Last evaluated: 2021-05-13. Review status: criteria provided, single submitter. Criteria: Invitae Variant Classification Sherloc (09022015). Collection method: clinical testing. Allele origin: germline.
Comment: This sequence change replaces glutamic acid with lysine at codon 395 of the LRSAM1 protein (p.Glu395Lys). The glutamic acid residue is highly conserved and there is a small physicochemical difference between glutamic acid and lysine. This variant is not present in population databases (ExAC no frequency). This variant has not been reported in the literature in individuals with LRSAM1-related conditions. Algorithms developed to predict the effect of missense changes on protein structure and function are either unavailable or do not agree on the potential impact of this missense change (SIFT: "Deleterious"; PolyPhen-2: "Probably Damaging"; Align-GVGD: "Class C15"). In summary, the available evidence is currently insufficient to determine the role of this variant in disease. Therefore, it has been classified as a Variant of Uncertain Significance.

NM_001005373.4(LRSAM1):c.1183G>A (p.Glu395Lys)

Gene: LRSAM1 (leucine rich repeat and sterile alpha motif containing 1; plus strand). Cytogenetic location: 9q33.3.
Variant type: single nucleotide variant.
Coding change: c.1183G>A on transcript NM_001005373.4 (MANE Select); coding-DNA position 1183, G replaced by A.
Protein change: p.Glu395Lys; replaces glutamic acid 395 with lysine.
Molecular consequence: missense variant. On other transcripts: non-coding transcript variant (2).
Genome position (GRCh38, 1-based): chr9:127,485,759, G>A. VCF-style: chr9-127485759-G-A. GRCh37 (hg19) VCF-style: chr9-130248038-G-A.
Other names: c.1183G>A, p.Glu395Lys (NM_001005374.4, NM_001190723.3, NM_001384142.1 and 2 more transcripts); c.394G>A, p.Glu132Lys (NM_001384144.1); short protein forms E132K, E395K.
Identifiers: ClinVar variation 1490824 (VCV001490824.8), dbSNP rs2132080972, ClinGen allele CA374932259.